The following is an entry in ClinVar:

NM_000821.7(GGCX):c.1806C>G (p.Val602=)

Gene: GGCX (gamma-glutamyl carboxylase; minus strand). Cytogenetic location: 2p11.2.
Variant type: single nucleotide variant.
Coding change: c.1806C>G on transcript NM_000821.7 (MANE Select); coding-DNA position 1806, C replaced by G.
Protein change: p.Val602=; no amino-acid change (valine 602 retained).
Molecular consequence: synonymous variant.
Genome position (GRCh38, 1-based): chr2:85,551,007, G>C on the plus strand (C>G on the coding strand, the complement: GGCX is on the minus strand). VCF-style: chr2-85551007-G-C. GRCh37 (hg19) VCF-style: chr2-85778130-G-C.
Other names: c.1635C>G, p.Val545= (NM_001142269.4).
Identifiers: ClinVar variation 337262 (VCV000337262.18), dbSNP rs143538795, ClinGen allele CA1741725.
Genomic context (GRCh38, chr2:85,551,007, plus strand): 5'-CTTTAATTCTTGCAGATATGCCAGGTCTTGCTCCAGTGCAAGCTCTGTAGTGTTGACATA[G>C]ACGTACATGTAGCAAGAAGGGCTAGGTGATGTCGTATACACCTTATGGTACTCACCAGCA-3'
Protein context (NP_000812.2, residues 592-612): TSPSPSCYMY[Val602=]YVNTTELALE

ClinVar aggregate classification (germline): Benign. Review status: criteria provided, multiple submitters, no conflicts (2 of 4 stars). 4 submissions from 4 submitters: Benign (3). 1 of the submissions does not count toward it. Last evaluated 2026-02-02.

Conditions:
GGCX-related disorder. Also called: GGCX-related condition; GGCX - Related Disorders.
Vitamin K-dependent clotting factors, combined deficiency of, type 1. Also called: FACTORS II, VII, IX, AND X, COMBINED DEFICIENCY OF; FAMILIAL MULTIPLE COAGULATION FACTOR DEFICIENCY III; FMFD III; GLUTAMIC ACID, DEFICIENT GAMMA-CARBOXYLATION OF; MULTIPLE COAGULATION FACTOR DEFICIENCY III; VITAMIN K-DEPENDENT COAGULATION DEFECT. Identifiers: Orphanet 98434, MedGen C1848534, MONDO:0010187, OMIM 277450.

Allele frequency attached by ClinVar (database versions not stated): gnomAD exomes 0.00079 and 0.00203; ExAC 0.00245; gnomAD 0.00710 and 0.00758; 1000 Genomes Project 0.00799; TOPMed 0.00815; ESP Exome Variant Server 0.00823; 1000 Genomes Project 30x 0.00859.
gnomAD v4.1: 2,294 of 1,613,454 alleles (0.14%); highest among the groups gnomAD compares: African/African-American, 2.5%; 21 homozygotes.

Submissions (10):

Labcorp Genetics (formerly Invitae), Labcorp
Classification: Benign. Last evaluated: 2026-02-02. Review status: criteria provided, single submitter. Criteria: Invitae Variant Classification Sherloc (09022015). Collection method: clinical testing. Allele origin: germline.

Illumina Laboratory Services, Illumina
Classification: Benign for Vitamin K-dependent clotting factors, combined deficiency of, type 1. Last evaluated: 2018-01-13. Review status: criteria provided, single submitter. Criteria: ICSL Variant Classification Criteria 13 December 2019. Collection method: clinical testing. Allele origin: germline.
Comment: This variant was observed in the ICSL laboratory as part of a predisposition screen in an ostensibly healthy population. It had not been previously curated by ICSL or reported in the Human Gene Mutation Database (HGMD: prior to June 1st, 2018), and was therefore a candidate for classification through an automated scoring system. Utilizing variant allele frequency, disease prevalence and penetrance estimates, and inheritance mode, an automated score was calculated to assess if this variant is too frequent to cause the disease. Based on the score and internal cut-off values, a variant classified as benign is not then subjected to further curation. The score for this variant resulted in a classification of benign for this disease.

Breakthrough Genomics
Classification: Benign. Review status: criteria provided, single submitter. Criteria: ACMG Guidelines, 2015. Collection method: not provided. Allele origin: germline. Inheritance: Autosomal recessive inheritance. Affected: yes.

PreventionGenetics, part of Exact Sciences
Classification: Likely benign for GGCX-related condition. Last evaluated: 2019-10-08. Review status: no assertion criteria provided. Collection method: clinical testing. Allele origin: germline. Not counted in ClinVar's aggregate classification.
Comment: This variant is classified as likely benign based on ACMG/AMP sequence variant interpretation guidelines (Richards et al. 2015 PMID: 25741868, with internal and published modifications).

Dr. Peter K. Rogan Lab, Western University
No classification provided (evidence only). Condition: Clear cell carcinoma of kidney. Review status: no classification provided. Collection method: in vitro. Allele origin: not applicable. Functional consequence: retained intron. Not counted in ClinVar's aggregate classification.

Dr. Peter K. Rogan Lab, Western University
No classification provided (evidence only). Condition: Clear cell carcinoma of kidney. Review status: no classification provided. Collection method: in vitro. Allele origin: not applicable. Functional consequence: retained intron. Not counted in ClinVar's aggregate classification.

Dr. Peter K. Rogan Lab, Western University
No classification provided (evidence only). Condition: Thyroid cancer, nonmedullary, 1. Review status: no classification provided. Collection method: in vitro. Allele origin: not applicable. Functional consequence: retained intron. Not counted in ClinVar's aggregate classification.

Dr. Peter K. Rogan Lab, Western University
No classification provided (evidence only). Condition: Uterine corpus endometrial carcinoma. Review status: no classification provided. Collection method: in vitro. Allele origin: not applicable. Functional consequence: retained intron. Not counted in ClinVar's aggregate classification.

Dr. Peter K. Rogan Lab, Western University
No classification provided (evidence only). Condition: Sarcoma. Review status: no classification provided. Collection method: in vitro. Allele origin: not applicable. Functional consequence: retained intron. Not counted in ClinVar's aggregate classification.

Dr. Peter K. Rogan Lab, Western University
No classification provided (evidence only). Condition: Hepatocellular carcinoma. Review status: no classification provided. Collection method: in vitro. Allele origin: not applicable. Functional consequence: retained intron. Not counted in ClinVar's aggregate classification.